The following is an entry in ClinVar:

NM_000553.6(WRN):c.714_716del (p.Ile239del)

Gene: WRN (WRN RecQ like helicase; plus strand). Cytogenetic location: 8p12.
Variant type: Deletion.
Coding change: c.714_716del on transcript NM_000553.6 (MANE Select); coding-DNA positions 714 to 716, 3 bases deleted (TAT; older notation c.714_716delTAT).
Protein change: p.Ile239del; deletes isoleucine 239.
Molecular consequence: inframe deletion.
Genome position (GRCh38, 1-based): chr8:31,068,317-31,068,319, TAT deleted. VCF-style (leftmost placement, unchanged base first): chr8-31068316-CTAT-C. GRCh37 (hg19) VCF-style: chr8-30925832-CTAT-C.
Other names: short protein forms I239del.
Identifiers: ClinVar variation 1927169 (VCV001927169.5), dbSNP rs2535889508, ClinGen allele CA2580078161.

ClinVar aggregate classification (germline): Uncertain significance (1 of 4 stars; one submission).

Conditions:
Werner syndrome (WRN). Identifiers: Orphanet 902, MedGen C0043119, MONDO:0010196, OMIM 277700.

Submission:

Labcorp Genetics (formerly Invitae), Labcorp
Classification: Uncertain significance for Werner syndrome. Last evaluated: 2022-07-18. Review status: criteria provided, single submitter. Criteria: Invitae Variant Classification Sherloc (09022015). Collection method: clinical testing. Allele origin: germline.
Comment: In summary, the available evidence is currently insufficient to determine the role of this variant in disease. Therefore, it has been classified as a Variant of Uncertain Significance. Experimental studies and prediction algorithms are not available or were not evaluated, and the functional significance of this variant is currently unknown. This variant has not been reported in the literature in individuals affected with WRN-related conditions. This variant is not present in population databases (gnomAD no frequency). This variant, c.714_716del, results in the deletion of 1 amino acid(s) of the WRN protein (p.Ile239del), but otherwise preserves the integrity of the reading frame.